The following is an entry in ClinVar:

ClinVar aggregate classification (germline): Uncertain significance (1 of 4 stars; one submission).

Conditions:
Dyskeratosis congenita, autosomal recessive 6 (DKCB6). Identifiers: MedGen C4225356, MONDO:0014600, OMIM 616353.
Pulmonary fibrosis and/or bone marrow failure, Telomere-related, 4. Also called: PULMONARY FIBROSIS AND/OR BONE MARROW FAILURE SYNDROME, TELOMERE-RELATED, 4. Identifiers: Orphanet 2032, MedGen C4225347, MONDO:0014612, OMIM 616371.

Submission:

Labcorp Genetics (formerly Invitae), Labcorp
Classification: Uncertain significance for Dyskeratosis congenita, autosomal recessive 6; Pulmonary fibrosis and/or bone marrow failure, Telomere-related, 4. Last evaluated: 2025-03-04. Review status: criteria provided, single submitter. Criteria: Invitae Variant Classification Sherloc (09022015). Collection method: clinical testing. Allele origin: germline.
Comment: This sequence change replaces serine, which is neutral and polar, with asparagine, which is neutral and polar, at codon 572 of the PARN protein (p.Ser572Asn). This variant is not present in population databases (gnomAD no frequency). This variant has not been reported in the literature in individuals affected with PARN-related conditions. ClinVar contains an entry for this variant (Variation ID: 1431926). An algorithm developed to predict the effect of missense changes on protein structure and function (PolyPhen-2) suggests that this variant is likely to be tolerated. In summary, the available evidence is currently insufficient to determine the role of this variant in disease. Therefore, it has been classified as a Variant of Uncertain Significance.

NM_002582.4(PARN):c.1715G>A (p.Ser572Asn)

Gene: PARN (poly(A)-specific ribonuclease; minus strand). Cytogenetic location: 16p13.12.
Variant type: single nucleotide variant.
Coding change: c.1715G>A on transcript NM_002582.4 (MANE Select); coding-DNA position 1715, G replaced by A.
Protein change: p.Ser572Asn; replaces serine 572 with asparagine.
Molecular consequence: missense variant.
Genome position (GRCh38, 1-based): chr16:14,447,037, C>T on the plus strand (G>A on the coding strand, the complement: PARN is on the minus strand). VCF-style: chr16-14447037-C-T. GRCh37 (hg19) VCF-style: chr16-14540894-C-T.
Other names: c.1532G>A, p.Ser511Asn (NM_001134477.3); c.1577G>A, p.Ser526Asn (NM_001242992.2); short protein forms S511N, S572N, S526N.
Identifiers: ClinVar variation 1431926 (VCV001431926.8), dbSNP rs1024969576, ClinGen allele CA278950350.